The following is an entry in ClinVar:

NM_000264.5(PTCH1):c.376G>T (p.Glu126Ter)

Gene: PTCH1 (patched 1; minus strand). Cytogenetic location: 9q22.32.
Variant type: single nucleotide variant.
Coding change: c.376G>T on transcript NM_000264.5 (MANE Select); coding-DNA position 376, G replaced by T.
Protein change: p.Glu126Ter; replaces glutamic acid 126 with a stop codon.
Molecular consequence: nonsense. On other transcripts: 5 prime UTR variant (4), non-coding transcript variant (1).
Genome position (GRCh38, 1-based): chr9:95,506,425, C>A on the plus strand (G>T on the coding strand, the complement: PTCH1 is on the minus strand). VCF-style: chr9-95506425-C-A. GRCh37 (hg19) VCF-style: chr9-98268707-C-A.
Other names: c.178G>T, p.Glu60Ter (NM_001083602.3, NM_001354919.2); c.373G>T, p.Glu125Ter (NM_001083603.3); c.-78G>T (NM_001083604.3, NM_001083605.3, NM_001083606.3 and 1 more transcripts); c.376G>T, p.Glu126Ter (NM_001354918.2); short protein forms E125*, E126*, E60*.
Identifiers: ClinVar variation 1069985 (VCV001069985.7), dbSNP rs2118874002, ClinGen allele CA374120169.

ClinVar aggregate classification (germline): Pathogenic (1 of 4 stars; one submission).

Conditions:
Gorlin syndrome. Also called: Nevoid Basal Cell Carcinoma Syndrome; Basal cell nevus syndrome. Identifiers: Orphanet 377, MedGen C0004779, MONDO:0007187.

Submission:

Labcorp Genetics (formerly Invitae), Labcorp
Classification: Pathogenic for Gorlin syndrome. Last evaluated: 2020-08-31. Review status: criteria provided, single submitter. Criteria: Invitae Variant Classification Sherloc (09022015). Collection method: clinical testing. Allele origin: germline.
Comment: For these reasons, this variant has been classified as Pathogenic. Loss-of-function variants in PTCH1 are known to be pathogenic (PMID: 16301862, 16419085). This variant has not been reported in the literature in individuals with PTCH1-related conditions. This variant is not present in population databases (ExAC no frequency). This sequence change creates a premature translational stop signal (p.Glu126*) in the PTCH1 gene. It is expected to result in an absent or disrupted protein product.

Literature cited by the submitters: PubMed 16301862; PubMed 16419085.